The following is an entry in ClinVar:

ClinVar aggregate classification (germline): Uncertain significance. Review status: criteria provided, single submitter (1 of 4 stars). 2 submissions from 2 submitters: Uncertain significance (1). 1 of the submissions does not count toward it. Last evaluated 2025-07-22.

Conditions:
KDM6A-related disorder. Also called: KDM6A-related condition.
Kabuki syndrome 2 (KABUK2). Also called: KDM6A-Related Kabuki Syndrome. Identifiers: Orphanet 2322, MedGen C3275495, MONDO:0010465, OMIM 300867.

Allele frequency attached by ClinVar (database versions not stated): gnomAD 0.00001; gnomAD exomes 0.00001; ExAC 0.00002; TOPMed 0.00003; ESP Exome Variant Server 0.00009.
gnomAD v4.1: 12 of 1,163,351 alleles (0.001%); highest among the groups gnomAD compares: Non-Finnish European, 0.0014%; no homozygotes.

Submissions (2):

Labcorp Genetics (formerly Invitae), Labcorp
Classification: Uncertain significance for Kabuki syndrome 2. Last evaluated: 2025-07-22. Review status: criteria provided, single submitter. Criteria: Invitae Variant Classification Sherloc (09022015). Collection method: clinical testing. Allele origin: germline.
Comment: This sequence change falls in intron 12 of the KDM6A gene. It does not directly change the encoded amino acid sequence of the KDM6A protein. It affects a nucleotide within the consensus splice site. The frequency data for this variant in the population databases is considered unreliable, as metrics indicate poor data quality at this position in the gnomAD database. This variant has not been reported in the literature in individuals affected with KDM6A-related conditions. ClinVar contains an entry for this variant (Variation ID: 2061332). Variants that disrupt the consensus splice site are a relatively common cause of aberrant splicing (PMID: 17576681, 9536098). Algorithms developed to predict the effect of sequence changes on RNA splicing suggest that this variant is not likely to affect RNA splicing. In summary, the available evidence is currently insufficient to determine the role of this variant in disease. Therefore, it has been classified as a Variant of Uncertain Significance.

PreventionGenetics, part of Exact Sciences
Classification: Likely benign for KDM6A-related condition. Last evaluated: 2019-03-20. Review status: no assertion criteria provided. Collection method: clinical testing. Allele origin: germline. Not counted in ClinVar's aggregate classification.
Comment: This variant is classified as likely benign based on ACMG/AMP sequence variant interpretation guidelines (Richards et al. 2015 PMID: 25741868, with internal and published modifications).

Literature cited by the submitters: PubMed 17576681 (cited by Labcorp Genetics (formerly Invitae), Labcorp); PubMed 9536098 (cited by Labcorp Genetics (formerly Invitae), Labcorp).

NM_001291415.2(KDM6A):c.1194+6A>G

Gene: KDM6A (lysine demethylase 6A; plus strand). Cytogenetic location: Xp11.3.
Variant type: single nucleotide variant.
Coding change: c.1194+6A>G on transcript NM_001291415.2 (MANE Select); 6 bases into the intron after coding-DNA position 1194, A replaced by G.
Molecular consequence: intron variant.
Genome position (GRCh38, 1-based): chrX:45,059,472, A>G. VCF-style: chrX-45059472-A-G. GRCh37 (hg19) VCF-style: chrX-44918717-A-G.
Other names: c.1194+6A>G (NM_021140.4, NM_001291416.2, NM_001291417.2 and 2 more transcripts); c.441+6A>G (NM_001291421.2).
Identifiers: ClinVar variation 2061332 (VCV002061332.6), dbSNP rs368488468, ClinGen allele CA10392325.